The following is an entry in ClinVar:

ClinVar aggregate classification (germline): Uncertain significance (1 of 4 stars; one submission).

Conditions:
SEMA3D-related disorder. Also called: SEMA3D-related condition.

gnomAD v4.1: 11 of 1,601,658 alleles (0.00069%); highest among the groups gnomAD compares: Non-Finnish European, 0.00094%; no homozygotes.

Submission:

PreventionGenetics, part of Exact Sciences
Classification: Uncertain significance for SEMA3D-related condition. Last evaluated: 2026-06-22. Review status: criteria provided, single submitter. Criteria: ACMG Guidelines, 2015. Collection method: clinical testing. Allele origin: germline.
Comment: The SEMA3D c.490A>C variant is predicted to result in the amino acid substitution p.Lys164Gln. To our knowledge, this variant has not been reported in the literature or in a large population database (gnomAD), indicating this variant is rare. At this time, the clinical significance of this variant is uncertain due to the absence of conclusive functional and genetic evidence.

NM_001384900.1(SEMA3D):c.490A>C (p.Lys164Gln)

Gene: SEMA3D (semaphorin 3D; minus strand). Cytogenetic location: 7q21.11.
Variant type: single nucleotide variant.
Coding change: c.490A>C on transcript NM_001384900.1 (MANE Select); coding-DNA position 490, A replaced by C.
Protein change: p.Lys164Gln; replaces lysine 164 with glutamine.
Molecular consequence: missense variant.
Genome position (GRCh38, 1-based): chr7:85,072,967, T>G on the plus strand (A>C on the coding strand, the complement: SEMA3D is on the minus strand). VCF-style: chr7-85072967-T-G. GRCh37 (hg19) VCF-style: chr7-84702283-T-G.
Other names: c.490A>C, p.Lys164Gln (NM_001384901.1, NM_001384902.1, NM_001384903.1 and 1 more transcripts); short protein forms K164Q.
Identifiers: ClinVar variation 4985664 (VCV004985664.1).